The following is an entry in ClinVar:

ClinVar aggregate classification (germline): Conflicting classifications of pathogenicity. Review status: criteria provided, conflicting classifications (1 of 4 stars). 5 submissions from 5 submitters: Uncertain significance (3); Likely benign (2). Last evaluated 2026-01-08.

Conditions:
Primary dilated cardiomyopathy (DCM). Also called: Dilated Cardiomyopathy. Identifiers: Orphanet 217604, MedGen C0007193, MeSH D002311, MONDO:0005021, HP:0001644. Inheritance: Various modes of inheritance.
Autosomal recessive limb-girdle muscular dystrophy type 2Q (LGMDR17). Also called: MUSCULAR DYSTROPHY, LIMB-GIRDLE, AUTOSOMAL RECESSIVE 17. Identifiers: Orphanet 254361, MedGen C3150989, MONDO:0013390, OMIM 613723.
Epidermolysis bullosa simplex 5B, with muscular dystrophy (EBS5B). Also called: Epidermolysis bullosa simplex with muscular dystrophy; EPIDERMOLYSIS BULLOSA SIMPLEX AND LIMB-GIRDLE MUSCULAR DYSTROPHY. Identifiers: Orphanet 257, MedGen C2931072, MONDO:0009181, OMIM 226670.
Epidermolysis bullosa simplex 5C, with pyloric atresia (EBS5C). Also called: PLEC1-Related Epidermolysis Bullosa with Pyloric Atresia; PLEC-Related Epidermolysis Bullosa with Pyloric Atresia; Epidermolysis bullosa simplex with pyloric atresia. Identifiers: Orphanet 158684, MedGen C2677349, MONDO:0012807, OMIM 612138.
Epidermolysis bullosa simplex, Ogna type (EBS5A). Also called: Pidermolysis bullosa simplex 5A, Ogna type; EPIDERMOLYSIS BULLOSA SIMPLEX 5A, OGNA TYPE. Identifiers: Orphanet 79401, MedGen C0432317, MONDO:0007555, OMIM 131950.
Epidermolysis bullosa simplex with nail dystrophy (EBS5D). Identifiers: MedGen C4225309, MONDO:0014661, OMIM 616487.

Allele frequency attached by ClinVar (database versions not stated): gnomAD 0.00006 and 0.00007; TOPMed 0.00010; gnomAD exomes 0.00011; ExAC 0.00013; ESP Exome Variant Server 0.00016; 1000 Genomes Project 0.00040; 1000 Genomes Project 30x 0.00062.
gnomAD v4.1: 125 of 1,612,624 alleles (0.0078%); highest among the groups gnomAD compares: Middle Eastern, 0.12%; 1 homozygote.

Submissions (5):

Labcorp Genetics (formerly Invitae), Labcorp
Classification: Uncertain significance for Autosomal recessive limb-girdle muscular dystrophy type 2Q; Epidermolysis bullosa simplex, Ogna type; Epidermolysis bullosa simplex with nail dystrophy; Epidermolysis bullosa simplex 5C, with pyloric atresia; Epidermolysis bullosa simplex 5B, with muscular dystrophy. Last evaluated: 2026-01-08. Review status: criteria provided, single submitter. Criteria: Invitae Variant Classification Sherloc (09022015). Collection method: clinical testing. Allele origin: germline.
Comment: This sequence change replaces valine, which is neutral and non-polar, with methionine, which is neutral and non-polar, at codon 402 of the PLEC protein (p.Val402Met). This variant is present in population databases (rs199866423, gnomAD 0.04%), including at least one homozygous and/or hemizygous individual. This variant has not been reported in the literature in individuals affected with PLEC-related conditions. ClinVar contains an entry for this variant (Variation ID: 970353). Experimental studies and prediction algorithms are not available or were not evaluated, and the functional significance of this variant is currently unknown. In summary, the available evidence is currently insufficient to determine the role of this variant in disease. Therefore, it has been classified as a Variant of Uncertain Significance.

Revvity Omics, Revvity
Classification: Uncertain significance. Last evaluated: 2023-12-11. Review status: criteria provided, single submitter. Criteria: ACMG Guidelines, 2015. Collection method: clinical testing. Allele origin: germline.

Clinical Center for Gene Diagnosis and Therapy, Department of Cardiovascular Surgery, The Second Xiangya Hospital of Central South University
Classification: Uncertain significance for Primary dilated cardiomyopathy. Last evaluated: 2023-06-01. Review status: criteria provided, single submitter. Criteria: ACMG Guidelines, 2015. Collection method: clinical testing. Allele origin: germline. Affected: yes.

CeGaT Center for Human Genetics Tuebingen
Classification: Likely benign. Last evaluated: 2022-04-01. Review status: criteria provided, single submitter. Criteria: CeGaT Center For Human Genetics Tuebingen Variant Classification Criteria Version 2. Collection method: clinical testing. Allele origin: germline. Affected: yes. Observed: 2 variant alleles.
Comment: PLEC: PM2, PP3, BS2

GeneDx
Classification: Likely benign. Last evaluated: 2019-05-23. Review status: criteria provided, single submitter. Criteria: GeneDx Variant Classification Process June 2021. Collection method: clinical testing. Allele origin: germline. Affected: yes.

NM_201384.3(PLEC):c.1123G>A (p.Val375Met)

Gene: PLEC (plectin; minus strand). Cytogenetic location: 8q24.3.
Variant type: single nucleotide variant.
Coding change: c.1123G>A on transcript NM_201384.3 (MANE Select); coding-DNA position 1123, G replaced by A.
Protein change: p.Val375Met; replaces valine 375 with methionine.
Molecular consequence: missense variant.
Genome position (GRCh38, 1-based): chr8:143,934,364, C>T on the plus strand (G>A on the coding strand, the complement: PLEC is on the minus strand). VCF-style: chr8-143934364-C-T. GRCh37 (hg19) VCF-style: chr8-145008532-C-T.
Other names: c.1204G>A, p.Val402Met (NM_000445.5); c.1081G>A, p.Val361Met (NM_201378.4); c.1057G>A, p.Val353Met (NM_201379.3); c.1534G>A, p.Val512Met (NM_201380.4); c.1027G>A, p.Val343Met (NM_201381.3); c.1123G>A, p.Val375Met (NM_201382.4); c.1135G>A, p.Val379Met (NM_201383.3); short protein forms V379M, V402M, V353M, V375M, V343M, V512M, V361M.
Identifiers: ClinVar variation 970353 (VCV000970353.51), dbSNP rs199866423, ClinGen allele CA4928164.